The following is an entry in ClinVar:

ClinVar aggregate classification (germline): Uncertain significance (1 of 4 stars; one submission).

Submission:

Labcorp Genetics (formerly Invitae), Labcorp
Classification: Uncertain significance. Last evaluated: 2025-11-23. Review status: criteria provided, single submitter. Criteria: Invitae Variant Classification Sherloc (09022015). Collection method: clinical testing. Allele origin: germline.
Comment: This sequence change falls in intron 3 of the ANGPT1 gene. It does not directly change the encoded amino acid sequence of the ANGPT1 protein. It affects a nucleotide within the consensus splice site. This variant is present in population databases (rs754961553, gnomAD 0.006%). This variant has not been reported in the literature in individuals affected with ANGPT1-related conditions. ClinVar contains an entry for this variant (Variation ID: 2916724). Variants that disrupt the consensus splice site are a relatively common cause of aberrant splicing (PMID: 17576681, 9536098). Algorithms developed to predict the effect of sequence changes on RNA splicing suggest that this variant is not likely to affect RNA splicing. In summary, the available evidence is currently insufficient to determine the role of this variant in disease. Therefore, it has been classified as a Variant of Uncertain Significance.

Literature cited by the submitters: PubMed 17576681; PubMed 9536098.

NM_001146.5(ANGPT1):c.575+5_575+7del

Gene: ANGPT1 (angiopoietin 1; minus strand). Cytogenetic location: 8q23.1.
Variant type: Deletion.
Coding change: c.575+5_575+7del on transcript NM_001146.5 (MANE Select); bases 5 to 7 of the intron after coding-DNA position 575, 3 bases deleted (GGA; older notation c.575+5_575+7delGGA).
Molecular consequence: intron variant.
Genome position (GRCh38, 1-based): chr8:107,336,143-107,336,145, TCC deleted on the plus strand (GGA on the coding strand, the reverse complement: ANGPT1 is on the minus strand); deleting any 3 consecutive bases within chr8:107,336,143-107,336,147 gives the same sequence; the c. name uses the placement nearest the transcript's 3' end. VCF-style (leftmost placement, unchanged base first): chr8-107336142-ATCC-A. GRCh37 (hg19) VCF-style: chr8-108348370-ATCC-A.
Other names: c.575+5_575+7del (NM_001199859.3); c.-26+5_-26+7del (NM_001314051.2).
Identifiers: ClinVar variation 2916724 (VCV002916724.3), dbSNP rs754961553, ClinGen allele CA4841329.